The following is an entry in ClinVar:

NM_001042681.2(RERE):c.4468C>T (p.Leu1490Phe)

Gene: RERE (arginine-glutamic acid dipeptide repeats; minus strand). Cytogenetic location: 1p36.23.
Variant type: single nucleotide variant.
Coding change: c.4468C>T on transcript NM_001042681.2 (MANE Select); coding-DNA position 4468, C replaced by T.
Protein change: p.Leu1490Phe; replaces leucine 1490 with phenylalanine.
Molecular consequence: missense variant.
Genome position (GRCh38, 1-based): chr1:8,356,118, G>A on the plus strand (C>T on the coding strand, the complement: RERE is on the minus strand). VCF-style: chr1-8356118-G-A. GRCh37 (hg19) VCF-style: chr1-8416178-G-A.
Other names: c.2806C>T, p.Leu936Phe (NM_001042682.2); c.4468C>T, p.Leu1490Phe (NM_012102.4); short protein forms L1490F, L936F.
Identifiers: ClinVar variation 1173038 (VCV001173038.2), dbSNP rs1641282648, ClinGen allele CA338168426.
Genomic context (GRCh38, chr1:8,356,118, plus strand): 5'-CCTCACACGGCCTCCCCGCCCCTCCTGGAGGGGAAGTCTTACCGAAAACTGGGTGGCGAA[G>A]CATCTCGTGCTCGTGTGGGGGCTGTCCAAGCAGAGGGTTGGGGAGAGTGCCAGGCGGGTA-3'
Protein context (NP_001036146.1, residues 1480-1500): LGQPPHEHEM[Leu1490Phe]RHPVFGTPYP

ClinVar aggregate classification (germline): Uncertain significance (1 of 4 stars; one submission).

Allele frequency attached by ClinVar (database versions not stated): gnomAD exomes below 0.00001.
gnomAD v4.1: 2 of 1,505,772 alleles (0.00013%); highest among the groups gnomAD compares: South Asian, 0.0026%; no homozygotes.

Submission:

GeneDx
Classification: Uncertain significance. Last evaluated: 2025-03-11. Review status: criteria provided, single submitter. Criteria: GeneDx Variant Classification Process June 2021. Collection method: clinical testing. Allele origin: germline. Affected: yes.
Comment: Not observed at significant frequency in large population cohorts (gnomAD); In silico analysis supports that this missense variant has a deleterious effect on protein structure/function; Has not been previously published as pathogenic or benign to our knowledge